The following is an entry in ClinVar:

NM_000392.5(ABCC2):c.2057G>A (p.Gly686Glu)

Gene: ABCC2 (ATP binding cassette subfamily C member 2; plus strand). Cytogenetic location: 10q24.2.
Variant type: single nucleotide variant.
Coding change: c.2057G>A on transcript NM_000392.5 (MANE Select); coding-DNA position 2057, G replaced by A.
Protein change: p.Gly686Glu; replaces glycine 686 with glutamic acid.
Molecular consequence: missense variant.
Genome position (GRCh38, 1-based): chr10:99,813,107, G>A. VCF-style: chr10-99813107-G-A. GRCh37 (hg19) VCF-style: chr10-101572864-G-A.
Other names: p.Gly686Glu; short protein forms G686E.
Identifiers: ClinVar variation 2683118 (VCV002683118.1), dbSNP rs2492926824, ClinGen allele CA378114315.

ClinVar aggregate classification (germline): Uncertain significance (1 of 4 stars; one submission).

Allele frequency attached by ClinVar (database versions not stated): gnomAD exomes below 0.00001.
gnomAD v4.1: 2 of 1,614,046 alleles (0.00012%); highest among the groups gnomAD compares: East Asian, 0.0022%; no homozygotes.

Submission:

Mayo Clinic Laboratories, Mayo Clinic
Classification: Uncertain significance. Last evaluated: 2023-01-27. Review status: criteria provided, single submitter. Criteria: ACMG Guidelines, 2015. Collection method: clinical testing. Allele origin: germline. Observed: 1 variant allele.
Comment: PP3, PM2